The following is an entry in ClinVar:

NM_018489.3(ASH1L):c.4914C>G (p.Asp1638Glu)

Gene: ASH1L (ASH1 like histone lysine methyltransferase; minus strand). Cytogenetic location: 1q22.
Variant type: single nucleotide variant.
Coding change: c.4914C>G on transcript NM_018489.3 (MANE Select); coding-DNA position 4914, C replaced by G.
Protein change: p.Asp1638Glu; replaces aspartic acid 1638 with glutamic acid.
Molecular consequence: missense variant.
Genome position (GRCh38, 1-based): chr1:155,477,956, G>C on the plus strand (C>G on the coding strand, the complement: ASH1L is on the minus strand). VCF-style: chr1-155477956-G-C. GRCh37 (hg19) VCF-style: chr1-155447747-G-C.
Other names: c.4914C>G, p.Asp1638Glu (NM_001366177.2); short protein forms D1638E.
Identifiers: ClinVar variation 2578263 (VCV002578263.1), dbSNP rs2527141881, ClinGen allele CA342695346.

ClinVar aggregate classification (germline): Uncertain significance (1 of 4 stars; one submission).

Allele frequency attached by ClinVar (database versions not stated): gnomAD exomes below 0.00001.
gnomAD v4.1: 4 of 1,614,202 alleles (0.00025%); highest among the groups gnomAD compares: Non-Finnish European, 0.00034%; no homozygotes.

Submission:

GeneDx
Classification: Uncertain significance. Last evaluated: 2023-03-02. Review status: criteria provided, single submitter. Criteria: GeneDx Variant Classification Process June 2021. Collection method: clinical testing. Allele origin: germline. Affected: yes.
Comment: Not observed at significant frequency in large population cohorts (gnomAD); In silico analysis supports that this missense variant does not alter protein structure/function; Has not been previously published as pathogenic or benign to our knowledge